The following is an entry in ClinVar:

NM_003334.4(UBA1):c.2239C>T (p.Arg747Cys)

Gene: UBA1 (ubiquitin like modifier activating enzyme 1; plus strand). Cytogenetic location: Xp11.3.
Variant type: single nucleotide variant.
Coding change: c.2239C>T on transcript NM_003334.4 (MANE Select); coding-DNA position 2239, C replaced by T.
Protein change: p.Arg747Cys; replaces arginine 747 with cysteine.
Molecular consequence: missense variant.
Genome position (GRCh38, 1-based): chrX:47,210,881, C>T. VCF-style: chrX-47210881-C-T. GRCh37 (hg19) VCF-style: chrX-47070280-C-T.
Other names: c.2239C>T, p.Arg747Cys (NM_153280.3); short protein forms R747C.
Identifiers: ClinVar variation 1032123 (VCV001032123.1), dbSNP rs1936887844, ClinGen allele CA412807807.

ClinVar aggregate classification (germline): Uncertain significance (1 of 4 stars; one submission).

Conditions:
Infantile-onset X-linked spinal muscular atrophy. Also called: SPINAL MUSCULAR ATROPHY, X-LINKED LETHAL INFANTILE; Spinal muscular atrophy, X-linked 2; AMC, DISTAL, X-LINKED; ARTHROGRYPOSIS, X-LINKED, TYPE I; Spinal Muscular Atrophy, X-Linked Infantile. Identifiers: Orphanet 1145, MedGen C1844934, MONDO:0010532, OMIM 301830.

Submission:

Baylor Genetics
Classification: Uncertain significance for Infantile-onset X-linked spinal muscular atrophy. Last evaluated: 2018-05-10. Review status: criteria provided, single submitter. Criteria: ACMG Guidelines, 2015. Collection method: clinical testing. Allele origin: unknown. Affected: yes.
Comment: This variant was determined to be of uncertain significance according to ACMG Guidelines, 2015 [PMID:25741868].